The following is an entry in ClinVar:

ClinVar aggregate classification (germline): Benign (1 of 4 stars; one submission).

Conditions:
Breast-ovarian cancer, familial, susceptibility to, 3. Also called: RAD51C-Related Breast/Ovarian Cancer. Identifiers: Orphanet 145, MedGen C3150659, MONDO:0013253, OMIM 613399.

Submission:

Myriad Genetics, Inc.
Classification: Benign for Breast-ovarian cancer, familial, susceptibility to, 3. Last evaluated: 2025-02-19. Review status: criteria provided, single submitter. Criteria: Myriad Autosomal Dominant, Autosomal Recessive and X-Linked Classification Criteria (2023). Collection method: clinical testing. Allele origin: unknown.
Comment: This variant is considered benign. This variant occurs in the non-coding 3' untranslated region of the gene, and is not expected to impact protein function.

NM_058216.3(RAD51C):c.*9C>G

Gene: RAD51C (RAD51 paralog C; plus strand). Cytogenetic location: 17q22.
Variant type: single nucleotide variant.
Coding change: c.*9C>G on transcript NM_058216.3 (MANE Select); 9 bases downstream of the stop codon, C replaced by G.
Molecular consequence: 3 prime UTR variant. On other transcripts: non-coding transcript variant (1).
Genome position (GRCh38, 1-based): chr17:58,734,231, C>G. VCF-style: chr17-58734231-C-G. GRCh37 (hg19) VCF-style: chr17-56811592-C-G.
Identifiers: ClinVar variation 3904498 (VCV003904498.1).